The following is an entry in ClinVar:

NM_006941.4(SOX10):c.1400A>C (p.Ter467Ser)

Genes: POLR2F (RNA polymerase II, I and III subunit F; plus strand), SOX10 (SRY-box transcription factor 10; minus strand). Cytogenetic location: 22q13.1.
Variant type: single nucleotide variant.
Coding change: c.1400A>C on transcript NM_006941.4 (MANE Select); coding-DNA position 1400, A replaced by C.
Protein change: p.Ter467Ser.
Molecular consequence: stop lost. On other transcripts: intron variant (3).
Genome position (GRCh38, 1-based): chr22:37,973,496, T>G on the plus strand (A>C on the coding strand, the complement: SOX10 is on the minus strand). VCF-style: chr22-37973496-T-G. GRCh37 (hg19) VCF-style: chr22-38369503-T-G.
Other names: c.*38+1186T>G (NM_001363825.1); c.293+6326T>G (NM_001301130.2, NM_001301131.2).
Identifiers: ClinVar variation 4999995 (VCV004999995.1).

ClinVar aggregate classification (germline): Likely pathogenic (1 of 4 stars; one submission).

Conditions:
SOX10-related disorder. Also called: SOX10-related condition.

Submission:

PreventionGenetics, part of Exact Sciences
Classification: Likely pathogenic for SOX10-related condition. Last evaluated: 2025-06-08. Review status: criteria provided, single submitter. Criteria: ACMG Guidelines, 2015. Collection method: clinical testing. Allele origin: germline.
Comment: The SOX10 c.1400A>C variant is predicted to result in extension of the open reading frame (p.*467Serext*86). To our knowledge, this variant has not been reported in the literature. Alternate variants that cause similar extensions of the protein (p.*467Lysext*86, p.*467Cysext*82, and p.*467Tyrext*86) have been reported as de novo in individuals with Waardenburg syndrome (reviewed in Pingault et al. 2010. PubMed ID: 20127975). This variant is absent in a large population database (gnomAD), indicating this variant is rare. This variant is interpreted as likely pathogenic.